The following is an entry in ClinVar:

ClinVar aggregate classification (germline): Uncertain significance (1 of 4 stars; one submission).

Conditions:
Autosomal recessive ataxia, Beauce type. Also called: SYNE1 Deficiency; Spinocerebellar ataxia, autosomal recessive 8; ATAXIA, RECESSIVE, OF BEAUCE; SYNE1-Related Autosomal Recessive Cerebellar Ataxia. Identifiers: Orphanet 88644, MedGen C1853116, MONDO:0012549, OMIM 610743.
Emery-Dreifuss muscular dystrophy 4, autosomal dominant (EDMD4). Also called: EMERY-DREIFUSS MUSCULAR DYSTROPHY 4 WITH VARIABLE FEATURES. Identifiers: Orphanet 261, MedGen C2751807, MONDO:0013071, OMIM 612998.

Allele frequency attached by ClinVar (database versions not stated): gnomAD exomes 0.00001.
gnomAD v4.1: 9 of 1,613,492 alleles (0.00056%); highest among the groups gnomAD compares: Non-Finnish European, 0.00076%; no homozygotes.

Submission:

Labcorp Genetics (formerly Invitae), Labcorp
Classification: Uncertain significance for Emery-Dreifuss muscular dystrophy 4, autosomal dominant; Autosomal recessive ataxia, Beauce type. Last evaluated: 2022-06-06. Review status: criteria provided, single submitter. Criteria: Invitae Variant Classification Sherloc (09022015). Collection method: clinical testing. Allele origin: germline.
Comment: This sequence change replaces arginine, which is basic and polar, with threonine, which is neutral and polar, at codon 1297 of the SYNE1 protein (p.Arg1297Thr). This variant is present in population databases (no rsID available, gnomAD 0.004%). This variant has not been reported in the literature in individuals affected with SYNE1-related conditions. Algorithms developed to predict the effect of missense changes on protein structure and function are either unavailable or do not agree on the potential impact of this missense change (SIFT: "Deleterious"; PolyPhen-2: "Benign"; Align-GVGD: "Class C0"). In summary, the available evidence is currently insufficient to determine the role of this variant in disease. Therefore, it has been classified as a Variant of Uncertain Significance.

NM_182961.4(SYNE1):c.3869G>C (p.Arg1290Thr)

Gene: SYNE1 (spectrin repeat containing nuclear envelope protein 1; minus strand). Cytogenetic location: 6q25.2.
Variant type: single nucleotide variant.
Coding change: c.3869G>C on transcript NM_182961.4 (MANE Select); coding-DNA position 3869, G replaced by C.
Protein change: p.Arg1290Thr; replaces arginine 1290 with threonine.
Molecular consequence: missense variant.
Genome position (GRCh38, 1-based): chr6:152,442,214, C>G on the plus strand (G>C on the coding strand, the complement: SYNE1 is on the minus strand). VCF-style: chr6-152442214-C-G. GRCh37 (hg19) VCF-style: chr6-152763349-C-G.
Other names: c.3890G>C, p.Arg1297Thr (NM_033071.5); short protein forms R1290T, R1297T.
Identifiers: ClinVar variation 2000940 (VCV002000940.4), dbSNP rs1305485440, ClinGen allele CA366147087.